The following is an entry in ClinVar:

ClinVar aggregate classification (germline): Pathogenic/Likely pathogenic. Review status: criteria provided, multiple submitters, no conflicts (2 of 4 stars). 2 submissions from 2 submitters: Pathogenic (1); Likely pathogenic (1). Last evaluated 2025-03-03.

Conditions:
von Willebrand disease type 3 (VWD3). Also called: Type 3 Von Willebrand's disease; Type 3 VWD; Von Willebrand disease, severe form; V WD3; VON WILLEBRAND DISEASE, TYPE III. Identifiers: Orphanet 166096, MedGen C1264041, MONDO:0010191, OMIM 277480.

Submissions (2):

Cancer Genetics Lab, Istanbul University Institute of Oncology
Classification: Pathogenic for von Willebrand disease type 3. Last evaluated: 2025-03-03. Review status: criteria provided, single submitter. Criteria: ACMG Guidelines, 2015. Collection method: research. Allele origin: unknown. Inheritance: Autosomal recessive inheritance. Affected: yes. Observed: 1 homozygote.
Comment: The NM_000552.4 c.5343_5347del is a frameshift variant in VWF gene which is predicted to result in a premature stop codon at position p.(Leu1781Phefs*31) , and likely results in an absent or disrupted protein product (PVS1).

Quest Diagnostics Nichols Institute San Juan Capistrano
Classification: Likely pathogenic. Last evaluated: 2024-01-03. Review status: criteria provided, single submitter. Criteria: Quest Diagnostics criteria. Collection method: clinical testing. Allele origin: unknown.
Comment: The VWF c.5343_5347del (p.Leu1781Phefs*31) variant alters the translational reading frame of the VWF mRNA and is predicted to cause the premature termination of VWF protein synthesis. This variant has not been reported in individuals with VWF-related conditions in the published literature. This variant has not been reported in large, multi-ethnic general populations (Genome Aggregation Database). Based on the available information, this variant is classified as likely pathogenic.

NM_000552.5(VWF):c.5343_5347del (p.Leu1781fs)

Gene: VWF (von Willebrand factor; minus strand). Cytogenetic location: 12p13.31.
Variant type: Deletion.
Coding change: c.5343_5347del on transcript NM_000552.5 (MANE Select); coding-DNA positions 5343 to 5347, 5 bases deleted (GACTT; older notation c.5343_5347delGACTT).
Protein change: p.Leu1781fs; shifts the reading frame from leucine 1781.
Molecular consequence: frameshift variant.
Genome position (GRCh38, 1-based): chr12:6,016,197-6,016,201, AAGTC deleted on the plus strand (GACTT on the coding strand, the reverse complement: VWF is on the minus strand); deleting any 5 consecutive bases within chr12:6,016,197-6,016,205 gives the same sequence; the c. name uses the placement nearest the transcript's 3' end. VCF-style (leftmost placement, unchanged base first): chr12-6016196-GAAGTC-G. GRCh37 (hg19) VCF-style: chr12-6125362-GAAGTC-G.
Other names: short protein forms L1781fs.
Identifiers: ClinVar variation 3572175 (VCV003572175.3).